The following is an entry in ClinVar:

NM_001374504.1(TMPRSS6):c.1842-31CCCCA[9]

Gene: TMPRSS6 (transmembrane serine protease 6; minus strand). Cytogenetic location: 22q12.3.
Variant type: Microsatellite.
Coding change: c.1842-31CCCCA[9] on transcript NM_001374504.1 (MANE Select); nine copies in a row of the 5-base unit CCCCA starting at c.1842-31; the reference has six copies in a row; three copies, 15 bases duplicated.
Molecular consequence: splice acceptor variant.
Genome position (GRCh38, 1-based): chr22:37,069,346-37,069,360, TGGGGTGGGGTGGGG duplicated on the plus strand (CCCCACCCCACCCCA on the coding strand, the reverse complement: TMPRSS6 is on the minus strand); duplicating any 15 consecutive bases within chr22:37,069,346-37,069,377 gives the same sequence; the position shown is the placement nearest the transcript's 3' end. VCF-style (leftmost placement, unchanged base first): chr22-37069345-C-CTGGGGTGGGGTGGGG. GRCh37 (hg19) VCF-style: chr22-37465385-C-CTGGGGTGGGGTGGGG.
Other names: c.1869-16_1869-2dupCCCCACCCCACCCCA (NM_153609.3); c.1842-31CCCCA[9] (NM_001289000.2, NM_001289001.2, NM_153609.4); c.1869-16_1869-2dup (NM_153609.3).
Identifiers: ClinVar variation 707838 (VCV000707838.16), dbSNP rs60484081, ClinGen allele CA639393520.
Genomic context (GRCh38, chr22:37,069,345, plus strand): 5'-CAGCGCGAGTTCTGCCACACCTTGCCCAGGAACACGGTCCACAGCACCGTGGAGGCCATG[C>CTGGGGTGGGGTGGGG]TGGGGTGGGGTGGGGTGGGGTGGGGTGGGGTGAGGTGAGGTGGGAGGAAGCTGCCTCTCC-3'

ClinVar aggregate classification (germline): Benign/Likely benign. Review status: criteria provided, multiple submitters, no conflicts (2 of 4 stars). 3 submissions from 3 submitters: Benign (1); Likely benign (2). Last evaluated 2026-06-01.

Submissions (3):

CeGaT Center for Human Genetics Tuebingen
Classification: Likely benign. Last evaluated: 2026-06-01. Review status: criteria provided, single submitter. Criteria: CeGaT Center For Human Genetics Tuebingen Variant Classification Criteria Version 2. Collection method: clinical testing. Allele origin: germline. Affected: yes. Observed: 2 variant alleles.
Comment: TMPRSS6: BS1

Labcorp Genetics (formerly Invitae), Labcorp
Classification: Likely benign. Last evaluated: 2025-12-17. Review status: criteria provided, single submitter. Criteria: Invitae Variant Classification Sherloc (09022015). Collection method: clinical testing. Allele origin: germline.

Mayo Clinic Laboratories, Mayo Clinic
Classification: Benign. Last evaluated: 2025-05-27. Review status: criteria provided, single submitter. Criteria: ACMG Guidelines, 2015. Collection method: clinical testing. Allele origin: germline. Observed: 8 variant alleles.
Comment: BS1, BS2